The following is an entry in ClinVar:

NM_000268.4(NF2):c.447+3A>G

Gene: NF2 (NF2, moesin-ezrin-radixin like (MERLIN) tumor suppressor; plus strand). Cytogenetic location: 22q12.2.
Variant type: single nucleotide variant.
Coding change: c.447+3A>G on transcript NM_000268.4 (MANE Select); 3 bases into the intron after coding-DNA position 447, A replaced by G.
Molecular consequence: intron variant.
Genome position (GRCh38, 1-based): chr22:29,642,288, A>G. VCF-style: chr22-29642288-A-G. GRCh37 (hg19) VCF-style: chr22-30038277-A-G.
Other names: c.447+3A>G (NM_016418.5, NM_181832.3, NM_181833.3 and 1 more transcripts); c.324+3A>G (NM_181829.3); c.321+3A>G (NM_181828.3); c.198+3A>G (NM_181830.3, NM_181831.3).
Identifiers: ClinVar variation 1740826 (VCV001740826.7), dbSNP rs2518466317, ClinGen allele CA2580099546.
Genomic context (GRCh38, chr22:29,642,288, plus strand): 5'-GATCTACTGCCCTCCTGAGGCTTCTGTGCTCCTGGCTTCTTACGCCGTCCAGGCCAAGGT[A>G]GGCTCAAAGAAGAAAAATGTATTTTTCCTGGGCGTTAATTTGGGTCATGGGATCACTCCT-3'

ClinVar aggregate classification (germline): Uncertain significance. Review status: criteria provided, multiple submitters, no conflicts (2 of 4 stars). 2 submissions from 2 submitters: Uncertain significance (2). Last evaluated 2025-08-01.

Conditions:
Hereditary cancer-predisposing syndrome. Also called: Hereditary Cancer Syndrome; Hereditary neoplastic syndrome; Neoplastic Syndromes, Hereditary; Tumor predisposition. Identifiers: Orphanet 140162, MedGen C0027672, MeSH D009386, MONDO:0015356.
Neurofibromatosis, type 2 (SWNV). Also called: SCHWANNOMATOSIS, VESTIBULAR; NF2-Related Schwannomatosis; BILATERAL ACOUSTIC NEUROFIBROMATOSIS. Identifiers: Orphanet 637, MedGen C0027832, MONDO:0007039, OMIM 101000. Disease mechanism: loss of function.

Submissions (2):

Ambry Genetics
Classification: Uncertain significance for Hereditary cancer-predisposing syndrome. Last evaluated: 2025-08-01. Review status: criteria provided, single submitter. Criteria: Ambry Variant Classification Scheme 2023. Collection method: clinical testing. Allele origin: germline.
Comment: The c.447+3A>G intronic variant results from an A to G substitution 3 nucleotides after coding exon 4 in the NF2 gene. This nucleotide position is not well conserved in available vertebrate species. In silico splice site analysis predicts that this alteration will not have any significant effect on splicing; however, direct evidence is insufficient at this time (Ambry internal data). Since supporting evidence is limited at this time, the clinical significance of this alteration remains unclear.

Labcorp Genetics (formerly Invitae), Labcorp
Classification: Uncertain significance for Neurofibromatosis, type 2. Last evaluated: 2022-07-01. Review status: criteria provided, single submitter. Criteria: Invitae Variant Classification Sherloc (09022015). Collection method: clinical testing. Allele origin: germline.
Comment: In summary, the available evidence is currently insufficient to determine the role of this variant in disease. Therefore, it has been classified as a Variant of Uncertain Significance. This sequence change falls in intron 4 of the NF2 gene. It does not directly change the encoded amino acid sequence of the NF2 protein. It affects a nucleotide within the consensus splice site. This variant is not present in population databases (gnomAD no frequency). This variant has not been reported in the literature in individuals affected with NF2-related conditions. Variants that disrupt the consensus splice site are a relatively common cause of aberrant splicing (PMID: 17576681, 9536098). Algorithms developed to predict the effect of sequence changes on RNA splicing suggest that this variant is not likely to affect RNA splicing.

Literature cited by the submitters: PubMed 17576681 (cited by Labcorp Genetics (formerly Invitae), Labcorp); PubMed 9536098 (cited by Labcorp Genetics (formerly Invitae), Labcorp).